The following is an entry in ClinVar:

NM_080916.3(DGUOK):c.700A>C (p.Thr234Pro)

Gene: DGUOK (deoxyguanosine kinase; plus strand). Cytogenetic location: 2p13.1.
Variant type: single nucleotide variant.
Coding change: c.700A>C on transcript NM_080916.3 (MANE Select); coding-DNA position 700, A replaced by C.
Protein change: p.Thr234Pro; replaces threonine 234 with proline.
Molecular consequence: missense variant. On other transcripts: non-coding transcript variant (1), intron variant (2).
Genome position (GRCh38, 1-based): chr2:73,957,233, A>C. VCF-style: chr2-73957233-A-C. GRCh37 (hg19) VCF-style: chr2-74184360-A-C.
Other names: c.409A>C, p.Thr137Pro (NM_001318860.2, NM_001318861.2); c.391A>C, p.Thr131Pro (NM_001318862.2, NM_001318863.2); c.444-913A>C (NM_080918.3); c.426-913A>C (NM_001318859.2); short protein forms T234P, T137P, T131P.
Identifiers: ClinVar variation 2004056 (VCV002004056.4), dbSNP rs1558669229, ClinGen allele CA347301794.
Genomic context (GRCh38, chr2:73,957,233, plus strand): 5'-ATTGAGCTGGCCTATCTAGAGCAGCTGCATGGCCAACACGAAGCCTGGCTTATTCACAAG[A>C]CAACGAAGTAAGTGGGGAGAAAAGAATGTATCAGAGACAGAGACCTGGCTCCCAACAGCC-3'
Protein context (NP_550438.1, residues 224-244): GQHEAWLIHK[Thr234Pro]TKLHFEALMN

ClinVar aggregate classification (germline): Uncertain significance (1 of 4 stars; one submission).

Submission:

Labcorp Genetics (formerly Invitae), Labcorp
Classification: Uncertain significance. Last evaluated: 2022-08-09. Review status: criteria provided, single submitter. Criteria: Invitae Variant Classification Sherloc (09022015). Collection method: clinical testing. Allele origin: germline.
Comment: In summary, the available evidence is currently insufficient to determine the role of this variant in disease. Therefore, it has been classified as a Variant of Uncertain Significance. Algorithms developed to predict the effect of missense changes on protein structure and function are either unavailable or do not agree on the potential impact of this missense change (SIFT: "Tolerated"; PolyPhen-2: "Possibly Damaging"; Align-GVGD: "Class C0"). This variant has not been reported in the literature in individuals affected with DGUOK-related conditions. This variant is not present in population databases (gnomAD no frequency). This sequence change replaces threonine, which is neutral and polar, with proline, which is neutral and non-polar, at codon 234 of the DGUOK protein (p.Thr234Pro).